The following is an entry in ClinVar:

NM_000257.4(MYH7):c.2605C>A (p.Arg869Ser)

Genes: MYH7 (myosin heavy chain 7; minus strand), LOC126861898 (BRD4-independent group 4 enhancer GRCh37_chr14:23893609-23894808; plus strand). Cytogenetic location: 14q11.2.
Variant type: single nucleotide variant.
Coding change: c.2605C>A on transcript NM_000257.4 (MANE Select); coding-DNA position 2605, C replaced by A.
Protein change: p.Arg869Ser; replaces arginine 869 with serine.
Molecular consequence: missense variant.
Genome position (GRCh38, 1-based): chr14:23,424,843, G>T on the plus strand (C>A on the coding strand, the complement: MYH7 is on the minus strand). VCF-style: chr14-23424843-G-T. GRCh37 (hg19) VCF-style: chr14-23894052-G-T.
Other names: c.2605C>A (NM_000257.3); short protein forms R869S.
Identifiers: ClinVar variation 4820424 (VCV004820424.1), dbSNP rs730880750.

ClinVar aggregate classification (germline): Likely pathogenic (1 of 4 stars; one submission).

Conditions:
Cardiovascular phenotype. Identifiers: MedGen CN230736.

Submission:

Molecular Diagnostic Laboratory for Inherited Cardiovascular Disease, Montreal Heart Institute
Classification: Likely pathogenic for Cardiovascular phenotype. Last evaluated: 2025-11-21. Review status: criteria provided, single submitter. Criteria: ACMG Guidelines, 2015. Collection method: clinical testing. Allele origin: germline. Affected: yes.
Comment: PM1, PM2, PM5, PS4_supp